The following is an entry in ClinVar:

ClinVar aggregate classification (germline): Pathogenic (1 of 4 stars; one submission).

Conditions:
Mowat-Wilson syndrome (MOWS). Also called: Classic Mowat-Wilson Syndrome. Identifiers: Orphanet 2152, MedGen C1856113, MONDO:0009341, OMIM 235730.

Submission:

Labcorp Genetics (formerly Invitae), Labcorp
Classification: Pathogenic for Mowat-Wilson syndrome. Last evaluated: 2024-02-24. Review status: criteria provided, single submitter. Criteria: Invitae Variant Classification Sherloc (09022015). Collection method: clinical testing. Allele origin: germline.
Comment: This sequence change creates a premature translational stop signal (p.Cys583Alafs*24) in the ZEB2 gene. It is expected to result in an absent or disrupted protein product. Loss-of-function variants in ZEB2 are known to be pathogenic (PMID: 16053902). This variant is not present in population databases (gnomAD no frequency). This variant has not been reported in the literature in individuals affected with ZEB2-related conditions. ClinVar contains an entry for this variant (Variation ID: 1457727). For these reasons, this variant has been classified as Pathogenic.

Literature cited by the submitters: PubMed 16053902.

NM_014795.4(ZEB2):c.1747del (p.Cys583fs)

Gene: ZEB2 (zinc finger E-box binding homeobox 2; minus strand). Cytogenetic location: 2q22.3.
Variant type: Deletion.
Coding change: c.1747del on transcript NM_014795.4 (MANE Select); coding-DNA position 1747, one base deleted (T; older notation c.1747delT).
Protein change: p.Cys583fs; shifts the reading frame from cysteine 583.
Molecular consequence: frameshift variant.
Genome position (GRCh38, 1-based): chr2:144,399,440, A deleted on the plus strand (T on the coding strand, the reverse complement: ZEB2 is on the minus strand). VCF-style (leftmost placement, unchanged base first): chr2-144399439-CA-C. GRCh37 (hg19) VCF-style: chr2-145157006-CA-C.
Other names: c.1675del, p.Cys559fs (NM_001171653.2); short protein forms C559fs, C583fs.
Identifiers: ClinVar variation 1457727 (VCV001457727.6), dbSNP rs2149877082, ClinGen allele CA2573133280.